The following is an entry in ClinVar:

ClinVar aggregate classification (germline): Uncertain significance. Review status: criteria provided, multiple submitters, no conflicts (2 of 4 stars). 2 submissions from 2 submitters: Uncertain significance (2). Last evaluated 2026-03-07.

Submissions (2):

GeneDx
Classification: Uncertain significance. Last evaluated: 2026-03-07. Review status: criteria provided, single submitter. Criteria: GeneDx Variant Classification Process June 2021. Collection method: clinical testing. Allele origin: germline.
Comment: In-frame deletion of 1 amino acid(s) in a non-repeat region; Not observed at significant frequency in large population cohorts (gnomAD); In silico analysis supports a deleterious effect on protein structure/function; In silico analysis is inconclusive as to whether the variant alters gene splicing. In the absence of RNA/functional studies, the actual effect of this sequence change is unknown.; Has not been previously published as pathogenic or benign to our knowledge

Labcorp Genetics (formerly Invitae), Labcorp
Classification: Uncertain significance. Last evaluated: 2022-04-25. Review status: criteria provided, single submitter. Criteria: Invitae Variant Classification Sherloc (09022015). Collection method: clinical testing. Allele origin: germline.
Comment: This variant, c.2597_2599del, results in the deletion of 1 amino acid(s) of the ATP2A2 protein (p.Phe866del), but otherwise preserves the integrity of the reading frame. This variant is not present in population databases (gnomAD no frequency). This variant has not been reported in the literature in individuals affected with ATP2A2-related conditions. Experimental studies and prediction algorithms are not available or were not evaluated, and the functional significance of this variant is currently unknown. In summary, the available evidence is currently insufficient to determine the role of this variant in disease. Therefore, it has been classified as a Variant of Uncertain Significance.

NM_170665.4(ATP2A2):c.2597_2599del (p.Phe866del)

Genes: ATP2A2 (ATPase sarcoplasmic/endoplasmic reticulum Ca2+ transporting 2; plus strand), LOC126861638 (MED14-independent group 3 enhancer GRCh37_chr12:110782389-110783588; plus strand). Cytogenetic location: 12q24.11.
Variant type: Deletion.
Coding change: c.2597_2599del on transcript NM_170665.4 (MANE Select); coding-DNA positions 2597 to 2599, 3 bases deleted (TCT; older notation c.2597_2599delTCT).
Protein change: p.Phe866del; deletes phenylalanine 866.
Molecular consequence: inframe deletion. On other transcripts: inframe indel (3).
Genome position (GRCh38, 1-based): chr12:110,344,961-110,344,963, TCT deleted; deleting any 3 consecutive bases within chr12:110,344,959-110,344,963 gives the same sequence; the c. name uses the placement nearest the transcript's 3' end. VCF-style (leftmost placement, unchanged base first): chr12-110344958-CCTT-C. GRCh37 (hg19) VCF-style: chr12-110782763-CCTT-C.
Other names: c.2492_2494delTCT, p.Phe831del (NM_001413013.1); c.2597_2599delTCT, p.Phe866del (NM_001413014.1); c.2222_2224delTCT, p.Phe741del (NM_001413015.1); c.2597_2599del, p.Phe866del (NM_001681.4); c.2597_2599del (NM_170665.3); short protein forms F741del, F831del, F866del.
Identifiers: ClinVar variation 1965389 (VCV001965389.6), dbSNP rs2548565262, ClinGen allele CA2580085783.